The following is an entry in ClinVar:

ClinVar aggregate classification (germline): Uncertain significance. Review status: criteria provided, multiple submitters, no conflicts (2 of 4 stars). 6 submissions from 6 submitters: Uncertain significance (6). Last evaluated 2024-07-01.

Conditions:
Autosomal recessive spinocerebellar ataxia 14. Also called: CEREBELLAR ATAXIA, AUTOSOMAL RECESSIVE, SPECTRIN-ASSOCIATED, 1. Identifiers: Orphanet 352403, MedGen C4706415, MONDO:0014159, OMIM 615386.
Inborn genetic diseases. Identifiers: MedGen C0950123, MeSH D030342.

Allele frequency attached by ClinVar (database versions not stated): ExAC 0.00002; gnomAD 0.00003; TOPMed 0.00004; gnomAD exomes 0.00009.
gnomAD v4.1: 145 of 1,613,886 alleles (0.009%); highest among the groups gnomAD compares: Non-Finnish European, 0.011%; no homozygotes.

Submissions (6):

CeGaT Center for Human Genetics Tuebingen
Classification: Uncertain significance. Last evaluated: 2024-07-01. Review status: criteria provided, single submitter. Criteria: CeGaT Center For Human Genetics Tuebingen Variant Classification Criteria Version 2. Collection method: clinical testing. Allele origin: germline. Affected: yes. Observed: 1 variant allele.

Ambry Genetics
Classification: Uncertain significance for Inborn genetic diseases. Last evaluated: 2023-12-13. Review status: criteria provided, single submitter. Criteria: Ambry Variant Classification Scheme 2023. Collection method: clinical testing. Allele origin: germline.

Labcorp Genetics (formerly Invitae), Labcorp
Classification: Uncertain significance. Last evaluated: 2023-11-08. Review status: criteria provided, single submitter. Criteria: Invitae Variant Classification Sherloc (09022015). Collection method: clinical testing. Allele origin: germline.
Comment: This sequence change replaces glutamic acid, which is acidic and polar, with lysine, which is basic and polar, at codon 1887 of the SPTBN2 protein (p.Glu1887Lys). This variant is present in population databases (rs756807663, gnomAD 0.006%). This variant has not been reported in the literature in individuals affected with SPTBN2-related conditions. ClinVar contains an entry for this variant (Variation ID: 1723447). Advanced modeling of protein sequence and biophysical properties (such as structural, functional, and spatial information, amino acid conservation, physicochemical variation, residue mobility, and thermodynamic stability) performed at Invitae indicates that this missense variant is not expected to disrupt SPTBN2 protein function with a negative predictive value of 80%. In summary, the available evidence is currently insufficient to determine the role of this variant in disease. Therefore, it has been classified as a Variant of Uncertain Significance.

Neuberg Centre For Genomic Medicine, NCGM
Classification: Uncertain significance for Autosomal recessive spinocerebellar ataxia 14. Last evaluated: 2023-06-22. Review status: criteria provided, single submitter. Criteria: ACMG Guidelines, 2015. Collection method: clinical testing. Allele origin: germline. Inheritance: Autosomal recessive inheritance. Affected: yes.
Comment: The missense variant c.5659G>A (p.Glu1887Lys) in the SPTBN2 gene has not been reported previously as a pathogenic variant nor as a benign variant, to our knowledge. This variant is reported with the allele frequency (0.003%) in the gnomAD Exomes. This variant has been reported to the ClinVar database as Uncertain Significance. However, no details are available for independent assessment. The amino acid Glu at position 1887 is changed to a Lys changing protein sequence and it might alter its composition and physico-chemical properties. Computational evidence (Polyphen, SIFT and MutationTaster) predicts conflicting evidence on protein structure and function for this variant. The amino acid change p.Glu1887Lys in SPTBN2 is predicted as conserved by GERP++ and PhyloP across 100 vertebrates. For these reasons, this variant has been classified as Uncertain Significance.

Women's Health and Genetics/Laboratory Corporation of America, LabCorp
Classification: Uncertain significance. Last evaluated: 2022-10-04. Review status: criteria provided, single submitter. Criteria: LabCorp Variant Classification Summary - May 2015. Collection method: clinical testing. Allele origin: germline.
Comment: Variant summary: SPTBN2 c.5659G>A (p.Glu1887Lys) results in a conservative amino acid change in the encoded protein sequence. Three of four in-silico tools predict a benign effect of the variant on protein function. The variant allele was found at a frequency of 3.2e-05 in 248794 control chromosomes (gnomAD). The available data on variant occurrences in the general population are insufficient to allow any conclusion about variant significance. To our knowledge, no occurrence of c.5659G>A in individuals affected with Spinocerebellar Ataxia 5 and no experimental evidence demonstrating its impact on protein function have been reported. No clinical diagnostic laboratories have submitted clinical-significance assessments for this variant to ClinVar after 2014. Based on the evidence outlined above, the variant was classified as uncertain significance.

Athena Diagnostics
Classification: Uncertain significance. Last evaluated: 2022-07-12. Review status: criteria provided, single submitter. Criteria: Athena Diagnostics Criteria. Collection method: clinical testing. Allele origin: unknown.

NM_006946.4(SPTBN2):c.5659G>A (p.Glu1887Lys)

Gene: SPTBN2 (spectrin beta, non-erythrocytic 2; minus strand). Cytogenetic location: 11q13.2.
Variant type: single nucleotide variant.
Coding change: c.5659G>A on transcript NM_006946.4 (MANE Select); coding-DNA position 5659, G replaced by A.
Protein change: p.Glu1887Lys; replaces glutamic acid 1887 with lysine.
Molecular consequence: missense variant.
Genome position (GRCh38, 1-based): chr11:66,690,190, C>T on the plus strand (G>A on the coding strand, the complement: SPTBN2 is on the minus strand). VCF-style: chr11-66690190-C-T. GRCh37 (hg19) VCF-style: chr11-66457661-C-T.
Other names: c.5680G>A, p.Glu1894Lys (NM_001411025.1); short protein forms E1887K, E1894K.
Identifiers: ClinVar variation 1723447 (VCV001723447.23), dbSNP rs756807663, ClinGen allele CA6128187.